The following is an entry in ClinVar:

ClinVar aggregate classification (germline): Uncertain significance (1 of 4 stars; one submission).

Conditions:
Cardiovascular phenotype. Identifiers: MedGen CN230736.

Allele frequency attached by ClinVar (database versions not stated): ExAC 0.00004; TOPMed 0.00012; gnomAD 0.00013.
gnomAD v4.1: 98 of 1,533,708 alleles (0.0064%); highest among the groups gnomAD compares: Middle Eastern, 0.034%; no homozygotes.

Submission:

Ambry Genetics
Classification: Uncertain significance for Cardiovascular phenotype. Last evaluated: 2025-06-27. Review status: criteria provided, single submitter. Criteria: Ambry Variant Classification Scheme 2023. Collection method: clinical testing. Allele origin: germline.
Comment: The p.G278R variant (also known as c.832G>A), located in coding exon 9 of the TECRL gene, results from a G to A substitution at nucleotide position 832. The glycine codon 278 is replaced by arginine, an amino acid with dissimilar properties. However, this change occurs in the last base pair of coding exon 9, which makes it likely to have some effect on normal mRNA splicing. This nucleotide position is highly conserved in available vertebrate species. This amino acid position is highly conserved in available vertebrate species. In silico splice site analysis predicts that this alteration will weaken the native splice donor site. In addition, as a missense substitution this is predicted to be tolerated by in silico analysis. Since supporting evidence is limited at this time, the clinical significance of this alteration remains unclear.

NM_001010874.5(TECRL):c.832G>A (p.Gly278Arg)

Gene: TECRL (trans-2,3-enoyl-CoA reductase like; minus strand). Cytogenetic location: 4q13.1.
Variant type: single nucleotide variant.
Coding change: c.832G>A on transcript NM_001010874.5 (MANE Select); coding-DNA position 832, G replaced by A.
Protein change: p.Gly278Arg; replaces glycine 278 with arginine.
Molecular consequence: missense variant.
Genome position (GRCh38, 1-based): chr4:64,289,710, C>T on the plus strand (G>A on the coding strand, the complement: TECRL is on the minus strand). VCF-style: chr4-64289710-C-T. GRCh37 (hg19) VCF-style: chr4-65155428-C-T.
Other names: c.832G>A, p.Gly278Arg (NM_001363796.1); short protein forms G278R.
Identifiers: ClinVar variation 1762960 (VCV001762960.5), dbSNP rs199562795, ClinGen allele CA2935349.